The following is an entry in ClinVar:

NM_004656.4(BAP1):c.1191_1214dup (p.Asp404_Glu405insAspGluAspAspTyrGluAspAsp)

Gene: BAP1 (BRCA1 associated deubiquitinase 1; minus strand). Cytogenetic location: 3p21.1.
Variant type: Duplication.
Coding change: c.1191_1214dup on transcript NM_004656.4 (MANE Select); coding-DNA positions 1191 to 1214, 24 bases duplicated (TGAGGATGACTATGAGGATGACGA).
Protein change: p.Asp404_Glu405insAspGluAspAspTyrGluAspAsp.
Molecular consequence: inframe insertion.
Genome position (GRCh38, 1-based): chr3:52,404,489-52,404,512, TCGTCATCCTCATAGTCATCCTCA duplicated on the plus strand (TGAGGATGACTATGAGGATGACGA on the coding strand, the reverse complement: BAP1 is on the minus strand); duplicating any 24 consecutive bases within chr3:52,404,489-52,404,514 gives the same sequence; the c. name uses the placement nearest the transcript's 3' end. VCF-style (leftmost placement, unchanged base first): chr3-52404488-C-CTCGTCATCCTCATAGTCATCCTCA. GRCh37 (hg19) VCF-style: chr3-52438504-C-CTCGTCATCCTCATAGTCATCCTCA.
Other names: c.1137_1160dup, p.Asp386_Glu387insAspGluAspAspTyrGluAspAsp (NM_001410772.1).
Identifiers: ClinVar variation 2770211 (VCV002770211.3), dbSNP rs2471332721, ClinGen allele CA2697556717.

ClinVar aggregate classification (germline): Uncertain significance (1 of 4 stars; one submission).

Conditions:
BAP1-related tumor predisposition syndrome (TPDS1). Also called: BAP1 tumor predisposition syndrome; Tumor susceptibility linked to germline BAP1 mutations; COMMON Syndrome; TUMOR PREDISPOSITION SYNDROME 1. Identifiers: Orphanet 289539, MedGen C3280492, MONDO:0013692, OMIM 614327.

Submission:

Labcorp Genetics (formerly Invitae), Labcorp
Classification: Uncertain significance for BAP1-related tumor predisposition syndrome. Last evaluated: 2023-10-20. Review status: criteria provided, single submitter. Criteria: Invitae Variant Classification Sherloc (09022015). Collection method: clinical testing. Allele origin: germline.
Comment: This variant, c.1191_1214dup, results in the insertion of 8 amino acid(s) of the BAP1 protein (p.Asp397_Asp404dup), but otherwise preserves the integrity of the reading frame. This variant is not present in population databases (gnomAD no frequency). This variant has not been reported in the literature in individuals affected with BAP1-related conditions. In summary, the available evidence is currently insufficient to determine the role of this variant in disease. Therefore, it has been classified as a Variant of Uncertain Significance.